The following is an entry in ClinVar:

ClinVar aggregate classification (germline): Pathogenic (1 of 4 stars; one submission).

Conditions:
Hereditary cancer-predisposing syndrome. Also called: Neoplastic Syndromes, Hereditary; Tumor predisposition; Hereditary Cancer Syndrome; Hereditary neoplastic syndrome. Identifiers: Orphanet 140162, MedGen C0027672, MeSH D009386, MONDO:0015356.

Submission:

Ambry Genetics
Classification: Pathogenic for Hereditary cancer-predisposing syndrome. Last evaluated: 2019-10-04. Review status: criteria provided, single submitter. Criteria: Ambry Variant Classification Scheme 2023. Collection method: clinical testing. Allele origin: germline.
Comment: The c.2175dupC pathogenic mutation, located in coding exon 4 of the MSH6 gene, results from a duplication of C at nucleotide position 2175, causing a translational frameshift with a predicted alternate stop codon (p.F726Lfs*30). This alteration is expected to result in loss of function by premature protein truncation or nonsense-mediated mRNA decay. As such, this alteration is interpreted as a disease-causing mutation.

NM_000179.3(MSH6):c.2175dup (p.Phe726fs)

Gene: MSH6 (mutS homolog 6; plus strand). Cytogenetic location: 2p16.3.
Variant type: Duplication.
Coding change: c.2175dup on transcript NM_000179.3 (MANE Select); coding-DNA position 2175, one base duplicated (C; older notation c.2175dupC).
Protein change: p.Phe726fs; shifts the reading frame from phenylalanine 726.
Molecular consequence: frameshift variant.
Genome position (GRCh38, 1-based): chr2:47,800,158, C duplicated. VCF-style (leftmost placement, unchanged base first): chr2-47800157-T-TC. GRCh37 (hg19) VCF-style: chr2-48027296-T-TC.
Other names: c.1785dup, p.Phe596fs (NM_001281492.2); c.1269dup, p.Phe424fs (NM_001281493.2, NM_001281494.2); c.2271dup, p.Phe758Leufs (NM_001406795.1, NM_001406802.1); c.2175dup, p.Phe726Leufs (NM_001406796.1, NM_001406798.1, NM_001406800.1 and 3 more transcripts); c.1878dup, p.Phe627Leufs (NM_001406797.1, NM_001406801.1, NM_001406805.1 and 10 more transcripts); c.1650dup, p.Phe551Leufs (NM_001406799.1, NM_001406806.1, NM_001406807.1); c.2097dup, p.Phe700Leufs (NM_001406804.1); c.1269dup, p.Phe424Leufs (NM_001406811.1, NM_001406812.1, NM_001406814.1 and 4 more transcripts); and 3 more; short protein forms F596fs, F424fs, F726fs.
Identifiers: ClinVar variation 1787174 (VCV001787174.2), dbSNP rs2530655191, ClinGen allele CA2580067785.